The following is an entry in ClinVar:

ClinVar aggregate classification (germline): Likely benign (0 of 4 stars; one submission).

Conditions:
TMEM147-related disorder. Also called: TMEM147-related condition.

Allele frequency attached by ClinVar (database versions not stated): ESP Exome Variant Server 0.10364; gnomAD 0.13536; TOPMed 0.13945; ExAC 0.19461; 1000 Genomes Project 30x 0.20034; 1000 Genomes Project 0.20248.

Submission:

PreventionGenetics, part of Exact Sciences
Classification: Likely benign for TMEM147-related condition. Last evaluated: 2019-10-25. Review status: no assertion criteria provided. Collection method: clinical testing. Allele origin: germline.
Comment: This variant is classified as likely benign based on ACMG/AMP sequence variant interpretation guidelines (Richards et al. 2015 PMID: 25741868, with internal and published modifications).

NM_032635.4(TMEM147):c.552-5T>C

Gene: TMEM147 (transmembrane protein 147; plus strand). Cytogenetic location: 19q13.12.
Variant type: single nucleotide variant.
Coding change: c.552-5T>C on transcript NM_032635.4 (MANE Select); 5 bases into the intron before coding-DNA position 552, T replaced by C.
Molecular consequence: intron variant.
Genome position (GRCh38, 1-based): chr19:35,547,319, T>C. VCF-style: chr19-35547319-T-C. GRCh37 (hg19) VCF-style: chr19-36038221-T-C.
Other names: c.405-5T>C (NM_001242597.2); c.330-5T>C (NM_001242598.2).
Identifiers: ClinVar variation 3059232 (VCV003059232.2), dbSNP rs759996, ClinGen allele CA9380521.
Genomic context (GRCh38, chr19:35,547,319, plus strand): 5'-AGGGCTGGGTCCAAAGTGGGGTGGGTTATCTAGTCTCCCTTCCTTATTGTGACATTTTCC[T>C]GCAGGACCTTCGTCCACCTCTGCTCGCTGGGCAGTTGGGCAGCTCTACTGGCCCGAGCAG-3'